The following is an entry in ClinVar:

ClinVar aggregate classification (germline): Pathogenic (1 of 4 stars; one submission).

Submission:

Labcorp Genetics (formerly Invitae), Labcorp
Classification: Pathogenic. Last evaluated: 2024-06-04. Review status: criteria provided, single submitter. Criteria: Invitae Variant Classification Sherloc (09022015). Collection method: clinical testing. Allele origin: germline.
Comment: This sequence change creates a premature translational stop signal (p.Ser703Valfs*37) in the ADAMTS10 gene. It is expected to result in an absent or disrupted protein product. Loss-of-function variants in ADAMTS10 are known to be pathogenic (PMID: 15368195, 18567016). This variant is not present in population databases (gnomAD no frequency). This variant has not been reported in the literature in individuals affected with ADAMTS10-related conditions. For these reasons, this variant has been classified as Pathogenic.

Literature cited by the submitters: PubMed 15368195; PubMed 18567016.

NM_030957.4(ADAMTS10):c.2107del (p.Ser703fs)

Gene: ADAMTS10 (ADAM metallopeptidase with thrombospondin type 1 motif 10; minus strand). Cytogenetic location: 19p13.2.
Variant type: Deletion.
Coding change: c.2107del on transcript NM_030957.4 (MANE Select); coding-DNA position 2107, one base deleted (A; older notation c.2107delA).
Protein change: p.Ser703fs; shifts the reading frame from serine 703.
Molecular consequence: frameshift variant.
Genome position (GRCh38, 1-based): chr19:8,589,293, T deleted on the plus strand (A on the coding strand, the reverse complement: ADAMTS10 is on the minus strand). VCF-style (leftmost placement, unchanged base first): chr19-8589292-CT-C. GRCh37 (hg19) VCF-style: chr19-8654176-CT-C.
Other names: c.568del, p.Ser190fs (NM_001282352.2); short protein forms S190fs, S703fs.
Identifiers: ClinVar variation 3655544 (VCV003655544.2).
Genomic context (GRCh38, chr19:8,589,292, plus strand): 5'-AGACTCTCACCGGCCCCAGGTGAGGCTGGGCTGAAGACGCCCTCGATGGTCTCGCAGGCA[CT>C]GCCGTCACCGCCACACACTCGGCACTTGTCCTCCCGCAGGTCGGAGCCCAGGACTCGGTC-3'